The following is an entry in ClinVar:

NM_019032.6(ADAMTSL4):c.2177+3_2177+6del

Genes: ADAMTSL4 (ADAMTS like 4; plus strand), ADAMTSL4-AS2 (ADAMTSL4 antisense RNA 2; minus strand). Cytogenetic location: 1q21.2.
Variant type: Deletion.
Coding change: c.2177+3_2177+6del on transcript NM_019032.6 (MANE Select); bases 3 to 6 of the intron after coding-DNA position 2177, 4 bases deleted (GAGT; older notation c.2177+3_2177+6delGAGT).
Molecular consequence: splice donor variant.
Genome position (GRCh38, 1-based): chr1:150,557,626-150,557,629, GAGT deleted; deleting any 4 consecutive bases within chr1:150,557,623-150,557,629 gives the same sequence; the c. name uses the placement nearest the transcript's 3' end. VCF-style (leftmost placement, unchanged base first): chr1-150557622-TAGTG-T. GRCh37 (hg19) VCF-style: chr1-150530098-TAGTG-T.
Other names: c.2246+3_2246+6del (NM_001288608.2); c.2060+3_2060+6del (NM_001288607.2); c.2177+3_2177+6del (NM_001378596.1, NM_025008.5).
Identifiers: ClinVar variation 1325408 (VCV001325408.6), dbSNP rs1364255987, ClinGen allele CA526260821.
Genomic context (GRCh38, chr1:150,557,622, plus strand): 5'-GCCGCGGGTGCCAGGCCCCCAGCCTCCCCTGAACCCTGCCACGGCACCCCATGCCCCCCA[TAGTG>T]AGTATGGGGGAGCCCACGGGGAGGGTTAGGGTACTGGAAACACAGCAGTTGCCCCCAGAA-3'

ClinVar aggregate classification (germline): Likely pathogenic. Review status: criteria provided, single submitter (1 of 4 stars). 2 submissions from 2 submitters: Likely pathogenic (1). 1 of the submissions does not count toward it. Last evaluated 2025-12-17.

Conditions:
Craniosynostosis with ectopia lentis. Identifiers: MedGen C1863678, MONDO:0011347, OMIM 603595.

Submissions (2):

Labcorp Genetics (formerly Invitae), Labcorp
Classification: Likely pathogenic. Last evaluated: 2025-12-17. Review status: criteria provided, single submitter. Criteria: Invitae Variant Classification Sherloc (09022015). Collection method: clinical testing. Allele origin: germline.
Comment: This sequence change falls in intron 13 of the ADAMTSL4 gene. It does not directly change the encoded amino acid sequence of the ADAMTSL4 protein. It affects a nucleotide within the consensus splice site. This variant is present in population databases (no rsID available, gnomAD 0.008%). This variant has been observed in individual(s) with clinical features of ADAMTSL4-related conditions and/or ectopia lentis (PMID: 35378950; internal data). In at least one individual the data is consistent with being in trans (on the opposite chromosome) from a pathogenic variant. ClinVar contains an entry for this variant (Variation ID: 1325408). Variants that disrupt the consensus splice site are a relatively common cause of aberrant splicing (PMID: 17576681, 9536098). Algorithms developed to predict the effect of sequence changes on RNA splicing suggest that this variant may disrupt the consensus splice site. In summary, the currently available evidence indicates that the variant is pathogenic, but additional data are needed to prove that conclusively. Therefore, this variant has been classified as Likely Pathogenic.

Cunningham Lab, Seattle Childrens Research Institute
Classification: Pathogenic for Craniosynostosis with ectopia lentis. Last evaluated: 2021-11-01. Review status: no assertion criteria provided. Collection method: research. Allele origin: inherited. Inheritance: Autosomal recessive inheritance. Affected: yes. Not counted in ClinVar's aggregate classification.

Literature cited by the submitters: PubMed 35378950 (cited by Labcorp Genetics (formerly Invitae), Labcorp); PubMed 17576681 (cited by Labcorp Genetics (formerly Invitae), Labcorp); PubMed 9536098 (cited by Labcorp Genetics (formerly Invitae), Labcorp); PubMed 20702823 (cited by Cunningham Lab, Seattle Childrens Research Institute); PubMed 22871183 (cited by Cunningham Lab, Seattle Childrens Research Institute); PubMed 28642162 (cited by Cunningham Lab, Seattle Childrens Research Institute).